The following is an entry in ClinVar:

NM_002742.3(PRKD1):c.314G>A (p.Arg105His)

Gene: PRKD1 (protein kinase D1; minus strand). Cytogenetic location: 14q12.
Variant type: single nucleotide variant.
Coding change: c.314G>A on transcript NM_002742.3 (MANE Select); coding-DNA position 314, G replaced by A.
Protein change: p.Arg105His; replaces arginine 105 with histidine.
Molecular consequence: missense variant.
Genome position (GRCh38, 1-based): chr14:29,725,625, C>T on the plus strand (G>A on the coding strand, the complement: PRKD1 is on the minus strand). VCF-style: chr14-29725625-C-T. GRCh37 (hg19) VCF-style: chr14-30194831-C-T.
Other names: c.314G>A, p.Arg105His (NM_001330069.2); c.26G>A, p.Arg9His (NM_001348390.1); short protein forms R105H, R9H.
Identifiers: ClinVar variation 4540049 (VCV004540049.1).

ClinVar aggregate classification (germline): Uncertain significance (1 of 4 stars; one submission).

gnomAD v4.1: 15 of 1,613,152 alleles (0.00093%); highest among the groups gnomAD compares: Admixed American, 0.005%; no homozygotes.

Submission:

GeneDx
Classification: Uncertain significance. Last evaluated: 2025-06-27. Review status: criteria provided, single submitter. Criteria: GeneDx Variant Classification Process June 2021. Collection method: clinical testing. Allele origin: germline. Affected: yes.
Comment: In silico analysis supports that this missense variant has a deleterious effect on protein structure/function; Has not been previously published as pathogenic or benign to our knowledge